The following is an entry in ClinVar:

NM_001267550.2(TTN):c.44104G>C (p.Asp14702His)

Gene: TTN (titin; minus strand). Cytogenetic location: 2q31.2.
Variant type: single nucleotide variant.
Coding change: c.44104G>C on transcript NM_001267550.2 (MANE Select); coding-DNA position 44104, G replaced by C.
Protein change: p.Asp14702His; replaces aspartic acid 14702 with histidine.
Molecular consequence: missense variant.
Genome position (GRCh38, 1-based): chr2:178,630,854, C>G on the plus strand (G>C on the coding strand, the complement: TTN is on the minus strand). VCF-style: chr2-178630854-C-G. GRCh37 (hg19) VCF-style: chr2-179495581-C-G.
Other names: c.36400G>C, p.Asp12134His (NM_133378.4); c.39181G>C, p.Asp13061His (NM_001256850.1); c.16909G>C, p.Asp5637His (NM_003319.4); c.17284G>C, p.Asp5762His (NM_133432.3); c.17485G>C, p.Asp5829His (NM_133437.4); short protein forms D12134H, D14702H, D13061H, D5637H, D5762H, D5829H.
Identifiers: ClinVar variation 166050 (VCV000166050.5), dbSNP rs727503627, ClinGen allele CA178851.

ClinVar aggregate classification (germline): Uncertain significance (1 of 4 stars; one submission).

Allele frequency attached by ClinVar (database versions not stated): gnomAD exomes 0.00001 and 0.00002; ExAC 0.00002.
gnomAD v4.1: 6 of 1,613,370 alleles (0.00037%); highest among the groups gnomAD compares: South Asian, 0.0066%; no homozygotes.

Submission:

Laboratory for Molecular Medicine, Mass General Brigham Personalized Medicine
Classification: Uncertain significance. Last evaluated: 2014-03-14. Review status: criteria provided, single submitter. Criteria: LMM Criteria. Collection method: clinical testing. Allele origin: germline. Observed: 1 variant allele.
Comment: The Asp12134His variant in TTN has not been previously reported in individuals w ith cardiomyopathy or in large population studies. Computational prediction tool s and conservation analysis suggest that this variant may impact the protein, th ough this information is not predictive enough to determine pathogenicity. Addit ional studies are needed to fully assess the clinical significance of this varia nt.